The following is an entry in ClinVar:

NM_000629.3(IFNAR1):c.46G>A (p.Val16Met)

Genes: IFNAR1 (interferon alpha and beta receptor subunit 1; plus strand), LOC119230225 (IFNAR1 promoter region; plus strand). Cytogenetic location: 21q22.11.
Variant type: single nucleotide variant.
Coding change: c.46G>A on transcript NM_000629.3 (MANE Select); coding-DNA position 46, G replaced by A.
Protein change: p.Val16Met; replaces valine 16 with methionine.
Molecular consequence: missense variant. On other transcripts: 5 prime UTR variant (2), intron variant (1).
Genome position (GRCh38, 1-based): chr21:33,325,101, G>A. VCF-style: chr21-33325101-G-A. GRCh37 (hg19) VCF-style: chr21-34697406-G-A.
Other names: c.46G>A, p.Val16Met (NM_001384498.1, NM_001384499.1, NM_001384501.1 and 1 more transcripts); c.-741G>A (NM_001384500.1); c.-338G>A (NM_001384502.1); c.-132+463G>A (NM_001384504.1); c.46G>A (NM_000629.2); short protein forms V16M.
Identifiers: ClinVar variation 1494355 (VCV001494355.7), dbSNP rs866787077, ClinGen allele CA320129914.

ClinVar aggregate classification (germline): Uncertain significance. Review status: criteria provided, multiple submitters, no conflicts (2 of 4 stars). 2 submissions from 2 submitters: Uncertain significance (2). Last evaluated 2025-04-18.

Allele frequency attached by ClinVar (database versions not stated): TOPMed 0.00001; gnomAD 0.00002 and 0.00001.
gnomAD v4.1: 9 of 1,611,318 alleles (0.00056%); highest among the groups gnomAD compares: Admixed American, 0.0033%; no homozygotes.

Submissions (2):

Ambry Genetics
Classification: Uncertain significance. Last evaluated: 2025-04-18. Review status: criteria provided, single submitter. Criteria: Ambry Variant Classification Scheme 2023. Collection method: clinical testing. Allele origin: germline.

Labcorp Genetics (formerly Invitae), Labcorp
Classification: Uncertain significance. Last evaluated: 2022-03-03. Review status: criteria provided, single submitter. Criteria: Invitae Variant Classification Sherloc (09022015). Collection method: clinical testing. Allele origin: germline.
Comment: Algorithms developed to predict the effect of missense changes on protein structure and function (SIFT, PolyPhen-2, Align-GVGD) all suggest that this variant is likely to be tolerated. In summary, the available evidence is currently insufficient to determine the role of this variant in disease. Therefore, it has been classified as a Variant of Uncertain Significance. This variant has not been reported in the literature in individuals affected with IFNAR1-related conditions. This variant is present in population databases (no rsID available, gnomAD 0.03%). This sequence change replaces valine, which is neutral and non-polar, with methionine, which is neutral and non-polar, at codon 16 of the IFNAR1 protein (p.Val16Met).